The following is an entry in ClinVar:

NM_006796.3(AFG3L2):c.226del (p.Tyr76fs)

Gene: AFG3L2 (AFG3 like matrix AAA peptidase subunit 2; minus strand). Cytogenetic location: 18p11.21.
Variant type: Deletion.
Coding change: c.226del on transcript NM_006796.3 (MANE Select); coding-DNA position 226, one base deleted (T; older notation c.226delT).
Protein change: p.Tyr76fs; shifts the reading frame from tyrosine 76.
Molecular consequence: frameshift variant.
Genome position (GRCh38, 1-based): chr18:12,370,915, A deleted on the plus strand (T on the coding strand, the reverse complement: AFG3L2 is on the minus strand). VCF-style (leftmost placement, unchanged base first): chr18-12370914-TA-T. GRCh37 (hg19) VCF-style: chr18-12370913-TA-T.
Other names: short protein forms Y76fs.
Identifiers: ClinVar variation 3898007 (VCV003898007.1).

ClinVar aggregate classification (germline): Likely pathogenic (1 of 4 stars; one submission).

Conditions:
Spastic ataxia 5. Also called: Spastic Ataxia Type 5 (SPAX5). Identifiers: Orphanet 313772, MedGen C3280977, MONDO:0013776, OMIM 614487.

Submission:

Neuberg Centre For Genomic Medicine, NCGM
Classification: Likely pathogenic for Spastic ataxia 5. Last evaluated: 2024-02-01. Review status: criteria provided, single submitter. Criteria: ACMG Guidelines, 2015. Collection method: clinical testing. Allele origin: germline. Inheritance: Autosomal recessive inheritance. Affected: yes.
Comment: The frameshift c.226del(p.Tyr76ThrfsTer109) variant in AFG3L2 gene has not been reported previously as a pathogenic variant nor as a benign variant, to our knowledge. The p.Tyr76ThrfsTer109 variant is absent in gnomAD Exomes. This variant has not been submitted to the ClinVar database. This variant causes a frameshift starting with codon Tyrosine 76, changes this amino acid to Threonine residue, and creates a premature Stop codon at position 109 of the new reading frame, denoted p.Tyr76ThrfsTer109. This variant is predicted to cause loss of normal protein function through protein truncation. Loss of function variants have been previously reported to be disease causing. For these reasons, this variant has been classified as Likely Pathogenic.